The following is an entry in ClinVar:

NM_002439.5(MSH3):c.2590C>T (p.His864Tyr)

Gene: MSH3 (mutS homolog 3; plus strand). Cytogenetic location: 5q14.1.
Variant type: single nucleotide variant.
Coding change: c.2590C>T on transcript NM_002439.5 (MANE Select); coding-DNA position 2590, C replaced by T.
Protein change: p.His864Tyr; replaces histidine 864 with tyrosine.
Molecular consequence: missense variant.
Genome position (GRCh38, 1-based): chr5:80,792,779, C>T. VCF-style: chr5-80792779-C-T. GRCh37 (hg19) VCF-style: chr5-80088598-C-T.
Other names: short protein forms H864Y.
Identifiers: ClinVar variation 3625585 (VCV003625585.2).

ClinVar aggregate classification (germline): Uncertain significance (1 of 4 stars; one submission).

Submission:

Labcorp Genetics (formerly Invitae), Labcorp
Classification: Uncertain significance. Last evaluated: 2024-02-05. Review status: criteria provided, single submitter. Criteria: Invitae Variant Classification Sherloc (09022015). Collection method: clinical testing. Allele origin: germline.
Comment: This sequence change replaces histidine, which is basic and polar, with tyrosine, which is neutral and polar, at codon 864 of the MSH3 protein (p.His864Tyr). This variant is not present in population databases (gnomAD no frequency). This variant has not been reported in the literature in individuals affected with MSH3-related conditions. An algorithm developed to predict the effect of missense changes on protein structure and function (PolyPhen-2) suggests that this variant is likely to be disruptive. In summary, the available evidence is currently insufficient to determine the role of this variant in disease. Therefore, it has been classified as a Variant of Uncertain Significance.